The following is an entry in ClinVar:

NM_033380.3(COL4A5):c.2142dup (p.Lys715fs)

Gene: COL4A5 (collagen type IV alpha 5 chain; plus strand). Cytogenetic location: Xq22.3.
Variant type: Duplication.
Coding change: c.2142dup on transcript NM_033380.3 (MANE Select); coding-DNA position 2142, one base duplicated (C; older notation c.2142dupC).
Protein change: p.Lys715fs; shifts the reading frame from lysine 715.
Molecular consequence: frameshift variant.
Genome position (GRCh38, 1-based): chrX:108,601,985, C duplicated; the last of 3 consecutive C bases (chrX:108,601,983-108,601,985); duplicating any one gives the same sequence. VCF-style (leftmost placement, unchanged base first): chrX-108601982-T-TC. GRCh37 (hg19) VCF-style: chrX-107845212-T-TC.
Other names: c.2142dup, p.Lys715fs (NM_000495.5); short protein forms K715fs.
Identifiers: ClinVar variation 804584 (VCV000804584.1), dbSNP rs1603292081, ClinGen allele CA915952371.

ClinVar aggregate classification (germline): Pathogenic (1 of 4 stars; one submission).

Submission:

Athena Diagnostics
Classification: Pathogenic. Last evaluated: 2018-10-29. Review status: criteria provided, single submitter. Criteria: Athena Diagnostics Criteria. Collection method: clinical testing. Allele origin: germline.
Comment: The variant results in a shift of the reading frame, and is therefore predicted to significantly disrupt the protein structure. Found in at least one symptomatic patient, and not found in general population data.